The following is an entry in ClinVar:

NM_000043.6(FAS):c.485A>G (p.Asn162Ser)

Gene: FAS (Fas cell surface death receptor; plus strand). Cytogenetic location: 10q23.31.
Variant type: single nucleotide variant.
Coding change: c.485A>G on transcript NM_000043.6 (MANE Select); coding-DNA position 485, A replaced by G.
Protein change: p.Asn162Ser; replaces asparagine 162 with serine.
Molecular consequence: missense variant. On other transcripts: non-coding transcript variant (7).
Genome position (GRCh38, 1-based): chr10:89,010,580, A>G. VCF-style: chr10-89010580-A-G. GRCh37 (hg19) VCF-style: chr10-90770337-A-G.
Other names: c.485A>G, p.Asn162Ser (NM_001320619.2, NM_152871.4, NM_152872.4); c.530A>G, p.Asn177Ser (NM_001410956.1); short protein forms N162S, N177S.
Identifiers: ClinVar variation 3664703 (VCV003664703.2).
Genomic context (GRCh38, chr10:89,010,580, plus strand): 5'-CCTGTATTTTTTTTTCTAGATGTGAACATGGAATCATCAAGGAATGCACACTCACCAGCA[A>G]CACCAAGTGCAAAGAGGAAGGTAATTATTTTTTTACGGTTATATTCTCCTTTCCCCCAAC-3'
Protein context (NP_000034.1, residues 152-172): GIIKECTLTS[Asn162Ser]TKCKEEGSRS

ClinVar aggregate classification (germline): Uncertain significance (1 of 4 stars; one submission).

Conditions:
Autoimmune lymphoproliferative syndrome type 1. Also called: AUTOIMMUNE LYMPHOPROLIFERATIVE SYNDROME, TYPE I, AUTOSOMAL DOMINANT. Identifiers: Orphanet 3261, MedGen C2717884, MONDO:0011158, OMIM 601859.

Submission:

Labcorp Genetics (formerly Invitae), Labcorp
Classification: Uncertain significance for Autoimmune lymphoproliferative syndrome. Last evaluated: 2025-09-10. Review status: criteria provided, single submitter. Criteria: Invitae Variant Classification Sherloc (09022015). Collection method: clinical testing. Allele origin: germline.
Comment: This sequence change replaces asparagine, which is neutral and polar, with serine, which is neutral and polar, at codon 162 of the FAS protein (p.Asn162Ser). This variant is not present in population databases (gnomAD no frequency). This variant has not been reported in the literature in individuals affected with FAS-related conditions. ClinVar contains an entry for this variant (Variation ID: 3664703). Invitae Evidence Modeling of protein sequence and biophysical properties (such as structural, functional, and spatial information, amino acid conservation, physicochemical variation, residue mobility, and thermodynamic stability) indicates that this missense variant is expected to disrupt FAS protein function with a positive predictive value of 80%. In summary, the available evidence is currently insufficient to determine the role of this variant in disease. Therefore, it has been classified as a Variant of Uncertain Significance.